The following is an entry in ClinVar:

NM_133510.4(RAD51B):c.1012A>C (p.Lys338Gln)

Gene: RAD51B (RAD51 paralog B; plus strand). Cytogenetic location: 14q24.1.
Variant type: single nucleotide variant.
Coding change: c.1012A>C on transcript NM_133510.4 (MANE Select); coding-DNA position 1012, A replaced by C.
Protein change: p.Lys338Gln; replaces lysine 338 with glutamine.
Molecular consequence: missense variant.
Genome position (GRCh38, 1-based): chr14:68,468,226, A>C. VCF-style: chr14-68468226-A-C. GRCh37 (hg19) VCF-style: chr14-68934943-A-C.
Other names: NC_000014.8:g.68934943A>C; c.1012A>C, p.Lys338Gln (NM_001321812.1, NM_001321814.2, NM_001321818.2 and 6 more transcripts); c.898A>C, p.Lys300Gln (NM_001321815.1); c.655A>C, p.Lys219Gln (NM_001321817.2); c.1012A>C (NM_133510.3); short protein forms K300Q, K338Q, K219Q.
Identifiers: ClinVar variation 4398542 (VCV004398542.2).

ClinVar aggregate classification (germline): Uncertain significance (1 of 4 stars; one submission).

Submissions (2):

Ambry Genetics
Classification: Uncertain significance. Last evaluated: 2026-09-07. Review status: criteria provided, single submitter. Criteria: Ambry Variant Classification Scheme 2023. Collection method: clinical testing. Allele origin: germline.
Comment: The p.K338Q variant (also known as c.1012A>C), located in coding exon 9 of the RAD51B gene, results from an A to C substitution at nucleotide position 1012. The lysine at codon 338 is replaced by glutamine, an amino acid with similar properties. This amino acid position is conserved. In addition, this alteration is predicted to be tolerated by in silico analysis. Based on the available evidence, the clinical significance of this variant remains unclear.

Dr. Peter K. Rogan Lab, Western University
No classification provided (evidence only). Condition: Ovarian serous cystadenocarcinoma. Review status: no classification provided. Collection method: in vitro. Allele origin: not applicable. Functional consequence: retained intron. Not counted in ClinVar's aggregate classification.